The following is an entry in ClinVar:

ClinVar aggregate classification (germline): Uncertain significance. Review status: criteria provided, multiple submitters, no conflicts (2 of 4 stars). 2 submissions from 2 submitters: Uncertain significance (2). Last evaluated 2025-03-10.

Submissions (2):

Women's Health and Genetics/Laboratory Corporation of America, LabCorp
Classification: Uncertain significance. Last evaluated: 2025-03-10. Review status: criteria provided, single submitter. Criteria: LabCorp Variant Classification Summary - May 2015. Collection method: clinical testing. Allele origin: germline.
Comment: Variant summary: SACS c.8867T>C (p.Leu2956Ser) results in a non-conservative amino acid change in the encoded protein sequence. Five of five in-silico tools predict a damaging effect of the variant on protein function. The variant was absent in 250946 control chromosomes (gnomAD). c.8867T>C has been reported in the literature in a homozygous individual affected with features of Autosomal Recessive Spastic Ataxia Of Charlevoix-Saguenay. These data indicate that the variant may be associated with disease. To our knowledge, no experimental evidence demonstrating an impact on protein function has been reported. The following publication has been ascertained in the context of this evaluation (PMID: 33624863). ClinVar contains an entry for this variant (Variation ID: 3342380). Based on the evidence outlined above, the variant was classified as VUS-possibly pathogenic.

GeneDx
Classification: Uncertain significance. Last evaluated: 2023-08-28. Review status: criteria provided, single submitter. Criteria: GeneDx Variant Classification Process June 2021. Collection method: clinical testing. Allele origin: germline. Affected: yes.
Comment: Not observed at significant frequency in large population cohorts (gnomAD); In silico analysis supports that this missense variant has a deleterious effect on protein structure/function; This variant is associated with the following publications: (PMID: 33624863)

Literature cited by the submitters: PubMed 33624863 (cited by Women's Health and Genetics/Laboratory Corporation of America, LabCorp).

NM_014363.6(SACS):c.8867T>C (p.Leu2956Ser)

Gene: SACS (sacsin molecular chaperone; minus strand). Cytogenetic location: 13q12.12.
Variant type: single nucleotide variant.
Coding change: c.8867T>C on transcript NM_014363.6 (MANE Select); coding-DNA position 8867, T replaced by C.
Protein change: p.Leu2956Ser; replaces leucine 2956 with serine.
Molecular consequence: missense variant.
Genome position (GRCh38, 1-based): chr13:23,335,009, A>G on the plus strand (T>C on the coding strand, the complement: SACS is on the minus strand). VCF-style: chr13-23335009-A-G. GRCh37 (hg19) VCF-style: chr13-23909148-A-G.
Other names: c.8426T>C, p.Leu2809Ser (NM_001278055.2); short protein forms L2809S, L2956S.
Identifiers: ClinVar variation 3342380 (VCV003342380.2).
Genomic context (GRCh38, chr13:23,335,009, plus strand): 5'-CAATATAAATCTGGCTGTAGATCAAGACGGTTAACTGGGAAAAACGATAAAAACTTCTTT[A>G]AAGTGTCCTTTACAACATGAATAGGGGTGTTCTGTAACACTGATAATGTTGGATCAGAAC-3'
Protein context (NP_055178.3, residues 2946-2966): NTPIHVVKDT[Leu2956Ser]KKFLSFFPVN